The following is an entry in ClinVar:

ClinVar aggregate classification (germline): Conflicting classifications of pathogenicity. Review status: criteria provided, conflicting classifications (1 of 4 stars). 4 submissions from 4 submitters: Pathogenic (1); Likely pathogenic (1); Uncertain significance (2). Last evaluated 2026-08-11.

Conditions:
Hereditary cancer-predisposing syndrome. Also called: Neoplastic Syndromes, Hereditary; Tumor predisposition; Hereditary Cancer Syndrome; Hereditary neoplastic syndrome. Identifiers: Orphanet 140162, MedGen C0027672, MeSH D009386, MONDO:0015356.
Hereditary pheochromocytoma and paraganglioma. Also called: Hereditary paragangliomas and pheochromocytomas; Hereditary Paraganglioma-Pheochromocytoma Syndromes; Hereditary pheochromocytoma-paraganglioma. Identifiers: Orphanet 29072, MedGen C4274332, MONDO:0017366.

Allele frequency attached by ClinVar (database versions not stated): TOPMed below 0.00001.

Submissions (4):

GeneDx
Classification: Likely pathogenic. Last evaluated: 2026-08-11. Review status: criteria provided, single submitter. Criteria: GeneDx Variant Classification Process June 2021. Collection method: clinical testing. Allele origin: germline.
Comment: Nonsense variant predicted to result in protein truncation, as the last 40 amino acids are lost, and other loss-of-function variants have been reported downstream in HGMD; Not observed at significant frequency in large population cohorts (gnomAD); Has not been previously published as pathogenic or benign to our knowledge

Myriad Genetics, Inc.
Classification: Pathogenic for Hereditary pheochromocytoma and paraganglioma. Last evaluated: 2026-04-16. Review status: criteria provided, single submitter. Criteria: Myriad Autosomal Dominant, Autosomal Recessive and X-Linked Classification Criteria (2023). Collection method: clinical testing. Allele origin: unknown.
Comment: This variant is considered pathogenic. This variant creates a termination codon and is predicted to result in premature protein truncation.

Ambry Genetics
Classification: Uncertain significance for Hereditary cancer-predisposing syndrome. Last evaluated: 2025-07-31. Review status: criteria provided, single submitter. Criteria: Ambry Variant Classification Scheme 2023. Collection method: clinical testing. Allele origin: germline.
Comment: The p.Y199* variant (also known as c.597C>A), located in coding exon 3 of the TMEM127 gene, results from a C to A substitution at nucleotide position 597. This changes the amino acid from a tyrosine to a stop codon within coding exon 3. This alteration occurs at the 3' terminus of the TMEM127 gene, is not expected to trigger nonsense-mediated mRNA decay, and impacts the last 40 amino acids of the protein. The exact functional effect of this alteration is unknown. Based on the available evidence, the clinical significance of this variant remains unclear.

Labcorp Genetics (formerly Invitae), Labcorp
Classification: Uncertain significance for Hereditary pheochromocytoma and paraganglioma. Last evaluated: 2021-12-25. Review status: criteria provided, single submitter. Criteria: Invitae Variant Classification Sherloc (09022015). Collection method: clinical testing. Allele origin: germline.
Comment: In summary, the available evidence is currently insufficient to determine the role of this variant in disease. Therefore, it has been classified as a Variant of Uncertain Significance. This variant disrupts the C-terminus of the TMEM127 protein. Other variant(s) that disrupt this region (p.Met214Serfs*98) have been observed in individuals with TMEM127-related conditions (PMID: 21156949). This suggests that this may be a clinically significant region of the protein. This variant is not present in population databases (gnomAD no frequency). This sequence change creates a premature translational stop signal (p.Tyr199*) in the TMEM127 gene. While this is not anticipated to result in nonsense mediated decay, it is expected to disrupt the last 40 amino acid(s) of the TMEM127 protein. This variant has not been reported in the literature in individuals affected with TMEM127-related conditions. ClinVar contains an entry for this variant (Variation ID: 1063087).

Literature cited by the submitters: PubMed 21156949 (cited by Labcorp Genetics (formerly Invitae), Labcorp).

NM_017849.4(TMEM127):c.597C>A (p.Tyr199Ter)

Gene: TMEM127 (transmembrane protein 127; minus strand). Cytogenetic location: 2q11.2.
Variant type: single nucleotide variant.
Coding change: c.597C>A on transcript NM_017849.4 (MANE Select); coding-DNA position 597, C replaced by A.
Protein change: p.Tyr199Ter; replaces tyrosine 199 with a stop codon.
Molecular consequence: nonsense.
Genome position (GRCh38, 1-based): chr2:96,253,928, G>T on the plus strand (C>A on the coding strand, the complement: TMEM127 is on the minus strand). VCF-style: chr2-96253928-G-T. GRCh37 (hg19) VCF-style: chr2-96919666-G-T.
Other names: c.597C>A, p.Tyr199Ter (NM_001193304.3); c.597C>A (NM_017849.3); short protein forms Y199*.
Identifiers: ClinVar variation 1063087 (VCV001063087.13), dbSNP rs1684145823, ClinGen allele CA347652052.